The following is an entry in ClinVar:

NM_001079843.3(CASZ1):c.2900G>A (p.Gly967Asp)

Gene: CASZ1 (castor zinc finger 1; minus strand). Cytogenetic location: 1p36.22.
Variant type: single nucleotide variant.
Coding change: c.2900G>A on transcript NM_001079843.3 (MANE Select); coding-DNA position 2900, G replaced by A.
Protein change: p.Gly967Asp; replaces glycine 967 with aspartic acid.
Molecular consequence: missense variant.
Genome position (GRCh38, 1-based): chr1:10,649,418, C>T on the plus strand (G>A on the coding strand, the complement: CASZ1 is on the minus strand). VCF-style: chr1-10649418-C-T. GRCh37 (hg19) VCF-style: chr1-10709475-C-T.
Other names: c.2900G>A, p.Gly967Asp (NM_017766.5); short protein forms G967D.
Identifiers: ClinVar variation 4822010 (VCV004822010.4).

ClinVar aggregate classification (germline): Likely benign (1 of 4 stars; one submission).

gnomAD v4.1: 3 of 1,610,052 alleles (0.00019%); highest among the groups gnomAD compares: Non-Finnish European, 0.00025%; no homozygotes.

Submission:

CeGaT Center for Human Genetics Tuebingen
Classification: Likely benign. Last evaluated: 2026-03-01. Review status: criteria provided, single submitter. Criteria: CeGaT Center For Human Genetics Tuebingen Variant Classification Criteria Version 2. Collection method: clinical testing. Allele origin: germline. Affected: yes. Observed: 1 variant allele.
Comment: CASZ1: BP4